The following is an entry in ClinVar:

ClinVar aggregate classification (germline): Uncertain significance. Review status: criteria provided, multiple submitters, no conflicts (2 of 4 stars). 2 submissions from 2 submitters: Uncertain significance (2). Last evaluated 2025-04-28.

Allele frequency attached by ClinVar (database versions not stated): gnomAD exomes below 0.00001.
gnomAD v4.1: 4 of 1,613,888 alleles (0.00025%); highest among the groups gnomAD compares: Non-Finnish European, 0.00025%; no homozygotes.

Submissions (2):

Labcorp Genetics (formerly Invitae), Labcorp
Classification: Uncertain significance. Last evaluated: 2025-04-28. Review status: criteria provided, single submitter. Criteria: Invitae Variant Classification Sherloc (09022015). Collection method: clinical testing. Allele origin: germline.
Comment: This sequence change replaces leucine, which is neutral and non-polar, with proline, which is neutral and non-polar, at codon 303 of the NR2E3 protein (p.Leu303Pro). This variant is not present in population databases (gnomAD no frequency). This missense change has been observed in individual(s) with enhanced S-cone syndrome (PMID: 32679203, 38219857). ClinVar contains an entry for this variant (Variation ID: 1354863). Invitae Evidence Modeling of protein sequence and biophysical properties (such as structural, functional, and spatial information, amino acid conservation, physicochemical variation, residue mobility, and thermodynamic stability) indicates that this missense variant is expected to disrupt NR2E3 protein function with a positive predictive value of 80%. In summary, the available evidence is currently insufficient to determine the role of this variant in disease. Therefore, it has been classified as a Variant of Uncertain Significance.

Blueprint Genetics
Classification: Uncertain significance. Last evaluated: 2020-02-12. Review status: criteria provided, single submitter. Criteria: ACMG Guidelines, 2015. Collection method: clinical testing. Allele origin: germline.

Literature cited by the submitters: PubMed 32679203 (cited by Labcorp Genetics (formerly Invitae), Labcorp); PubMed 38219857 (cited by Labcorp Genetics (formerly Invitae), Labcorp).

NM_014249.4(NR2E3):c.908T>C (p.Leu303Pro)

Gene: NR2E3 (nuclear receptor subfamily 2 group E member 3; plus strand). Cytogenetic location: 15q23.
Variant type: single nucleotide variant.
Coding change: c.908T>C on transcript NM_014249.4 (MANE Select); coding-DNA position 908, T replaced by C.
Protein change: p.Leu303Pro; replaces leucine 303 with proline.
Molecular consequence: missense variant.
Genome position (GRCh38, 1-based): chr15:71,813,549, T>C. VCF-style: chr15-71813549-T-C. GRCh37 (hg19) VCF-style: chr15-72105889-T-C.
Other names: c.908T>C, p.Leu303Pro (NM_016346.4); short protein forms L303P.
Identifiers: ClinVar variation 1354863 (VCV001354863.8), dbSNP rs1343311421, ClinGen allele CA393037305.